The following is an entry in ClinVar:

NM_000166.6(GJB1):c.479A>G (p.Tyr160Cys)

Gene: GJB1 (gap junction protein beta 1; plus strand). Cytogenetic location: Xq13.1.
Variant type: single nucleotide variant.
Coding change: c.479A>G on transcript NM_000166.6 (MANE Select); coding-DNA position 479, A replaced by G.
Protein change: p.Tyr160Cys; replaces tyrosine 160 with cysteine.
Molecular consequence: missense variant.
Genome position (GRCh38, 1-based): chrX:71,224,186, A>G. VCF-style: chrX-71224186-A-G. GRCh37 (hg19) VCF-style: chrX-70444036-A-G.
Other names: c.479A>G, p.Tyr160Cys (NM_001097642.3); short protein forms Y160C.
Identifiers: ClinVar variation 637566 (VCV000637566.4), dbSNP rs1602349451, ClinGen allele CA413502696.

ClinVar aggregate classification (germline): Likely pathogenic. Review status: criteria provided, multiple submitters, no conflicts (2 of 4 stars). 3 submissions from 3 submitters: Likely pathogenic (2). 1 of the submissions does not count toward it. Last evaluated 2024-12-02.

Conditions:
Charcot-Marie-Tooth disease. Also called: Charcot-Marie-Tooth Hereditary Neuropathy; Charcot-Marie-Tooth Neuropathy. Identifiers: Orphanet 166, MedGen C0007959, MONDO:0015626.
Charcot-Marie-Tooth Neuropathy X. Identifiers: MedGen CN118851.

Submissions (3):

Labcorp Genetics (formerly Invitae), Labcorp
Classification: Likely pathogenic for Charcot-Marie-Tooth Neuropathy X. Last evaluated: 2024-12-02. Review status: criteria provided, single submitter. Criteria: Invitae Variant Classification Sherloc (09022015). Collection method: clinical testing. Allele origin: germline.
Comment: This sequence change replaces tyrosine, which is neutral and polar, with cysteine, which is neutral and slightly polar, at codon 160 of the GJB1 protein (p.Tyr160Cys). This variant is not present in population databases (gnomAD no frequency). This missense change has been observed in individuals with clinical features of Charcot-Marie-Tooth disease (PMID: 22464564, 31211173; internal data). ClinVar contains an entry for this variant (Variation ID: 637566). Invitae Evidence Modeling of protein sequence and biophysical properties (such as structural, functional, and spatial information, amino acid conservation, physicochemical variation, residue mobility, and thermodynamic stability) has been performed for this missense variant. However, the output from this modeling did not meet the statistical confidence thresholds required to predict the impact of this variant on GJB1 protein function. This variant disrupts the Tyr160 amino acid residue in GJB1. Other variant(s) that disrupt this residue have been determined to be pathogenic (PMID: 9361298, 18379723, 19691535). This suggests that this residue is clinically significant, and that variants that disrupt this residue are likely to be disease-causing. In summary, the currently available evidence indicates that the variant is pathogenic, but additional data are needed to prove that conclusively. Therefore, this variant has been classified as Likely Pathogenic.

Athena Diagnostics
Classification: Likely pathogenic. Last evaluated: 2019-08-15. Review status: criteria provided, single submitter. Criteria: Athena Diagnostics Criteria. Collection method: clinical testing. Allele origin: germline.
Comment: Not found in the total gnomAD dataset, and the data is high quality (0/189336 chr). Found in at least one symptomatic patient. Predicted to have a damaging effect on the protein. Located in a likely critical domain of the protein.

Inherited Neuropathy Consortium
Classification: Uncertain significance for Charcot-Marie-Tooth disease. Review status: no assertion criteria provided. Collection method: literature only. Allele origin: germline. Affected: yes. Not counted in ClinVar's aggregate classification.

Literature cited by the submitters: PubMed 22464564 (cited by 3 submitters); PubMed 31211173 (cited by Labcorp Genetics (formerly Invitae), Labcorp and Athena Diagnostics); PubMed 9361298 (cited by Labcorp Genetics (formerly Invitae), Labcorp); PubMed 18379723 (cited by Labcorp Genetics (formerly Invitae), Labcorp); PubMed 19691535 (cited by Labcorp Genetics (formerly Invitae), Labcorp).